The following is an entry in ClinVar:

ClinVar aggregate classification (germline): Uncertain significance (1 of 4 stars; one submission).

Allele frequency attached by ClinVar (database versions not stated): gnomAD exomes below 0.00001.
gnomAD v4.1: 1 of 1,613,828 alleles (0.000062%); highest among the groups gnomAD compares: Non-Finnish European, 0.000085%; no homozygotes.

Submission:

Biesecker Lab/Clinical Genomics Section, National Institutes of Health
Classification: Uncertain significance. Last evaluated: 2013-06-24. Review status: criteria provided, single submitter. Criteria: Ng et al. (Circ Cardiovasc Genet. 2013). Collection method: research. Allele origin: unknown. Observed: 1 variant allele. Study: ClinSeq.
Comment: The study set was not selected for affection status in relation to any cancer. Pathogenicity categories were based on literature curation. See Pubmed ID:23861362 for details.

Medical sequencing

NM_005751.5(AKAP9):c.5827G>T (p.Asp1943Tyr)

Gene: AKAP9 (A-kinase anchoring protein 9; plus strand). Cytogenetic location: 7q21.2.
Variant type: single nucleotide variant.
Coding change: c.5827G>T on transcript NM_005751.5 (MANE Select); coding-DNA position 5827, G replaced by T.
Protein change: p.Asp1943Tyr; replaces aspartic acid 1943 with tyrosine.
Molecular consequence: missense variant.
Genome position (GRCh38, 1-based): chr7:92,062,336, G>T. VCF-style: chr7-92062336-G-T. GRCh37 (hg19) VCF-style: chr7-91691650-G-T.
Other names: c.472G>T, p.Asp158Tyr (NM_001379277.1); c.5827G>T, p.Asp1943Tyr (NM_147185.3); short protein forms D1943Y, D158Y.
Identifiers: ClinVar variation 191391 (VCV000191391.1), dbSNP rs201144675, ClinGen allele CA236497.
Genomic context (GRCh38, chr7:92,062,336, plus strand): 5'-GTCATTGATGGCTATGCAGATGAAAAAACTCTTTTTGAAAGGCAAATTCAGGAAAAAACT[G>T]ATATAATAGATCGTCTTGAGCAGGAGTTGTTATGTGCAAGTAACAGGTTGCAAGAATTGG-3'
Protein context (NP_005742.4, residues 1933-1953): LFERQIQEKT[Asp1943Tyr]IIDRLEQELL